The following is an entry in ClinVar:

ClinVar aggregate classification (germline): Uncertain significance (1 of 4 stars; one submission).

Conditions:
Familial thoracic aortic aneurysm and aortic dissection (TAAD). Also called: Thoracic aortic aneurysms and dissections. Identifiers: Orphanet 91387, MedGen C4707243, MONDO:0019625.

gnomAD v4.1: 1 of 1,612,874 alleles (0.000062%); highest among the groups gnomAD compares: South Asian, 0.0011%; no homozygotes.

Submission:

All of Us Research Program, National Institutes of Health
Classification: Uncertain significance for Familial thoracic aortic aneurysm and aortic dissection. Last evaluated: 2023-05-04. Review status: criteria provided, single submitter. Criteria: ACMG Guidelines, 2015. Collection method: clinical testing. Allele origin: germline. Inheritance: Autosomal dominant inheritance. Observed: 1 variant allele, 1 heterozygote.
Comment: This variant causes a G to T nucleotide substitution at the -9 position of intron 6 of the MYH11 gene. To our knowledge, functional studies have not been reported for this variant. This variant has not been reported in individuals affected with MYH11-related disorders in the literature. This variant has not been identified in the general population by the Genome Aggregation Database (gnomAD). The available evidence is insufficient to determine the role of this variant in disease conclusively. Therefore, this variant is classified as a Variant of Uncertain Significance.

This study involves interpretation of variants in research participants for the purpose of population health screening. Participant phenotype was not available at the time of variant classification. Additional details can be found in publication PMID: 35346344, PMCID: PMC8962531

NM_002474.3(MYH11):c.634-9G>T

Gene: MYH11 (myosin heavy chain 11; minus strand). Cytogenetic location: 16p13.11.
Variant type: single nucleotide variant.
Coding change: c.634-9G>T on transcript NM_002474.3 (MANE Select); 9 bases into the intron before coding-DNA position 634, G replaced by T.
Molecular consequence: intron variant.
Genome position (GRCh38, 1-based): chr16:15,782,486, C>A on the plus strand (G>T on the coding strand, the complement: MYH11 is on the minus strand). VCF-style: chr16-15782486-C-A. GRCh37 (hg19) VCF-style: chr16-15876343-C-A.
Other names: c.634-9G>T (NM_022844.3); c.655-9G>T (NM_001040114.2, NM_001040113.2).
Identifiers: ClinVar variation 3070738 (VCV003070738.1), dbSNP rs2506613364, ClinGen allele CA2631947677.